The following is an entry in ClinVar:

NM_000369.5(TSHR):c.290T>C (p.Phe97Ser)

Genes: TSHR (thyroid stimulating hormone receptor; plus strand), TSHR-AS1 (TSHR antisense RNA 1; minus strand). Cytogenetic location: 14q31.1.
Variant type: single nucleotide variant.
Coding change: c.290T>C on transcript NM_000369.5 (MANE Select); coding-DNA position 290, T replaced by C.
Protein change: p.Phe97Ser; replaces phenylalanine 97 with serine.
Molecular consequence: missense variant.
Genome position (GRCh38, 1-based): chr14:81,068,301, T>C. VCF-style: chr14-81068301-T-C. GRCh37 (hg19) VCF-style: chr14-81534645-T-C.
Other names: c.290T>C, p.Phe97Ser (NM_001018036.3, NM_001142626.3); short protein forms F97S.
Identifiers: ClinVar variation 3252999 (VCV003252999.1), dbSNP rs1384603967.

ClinVar aggregate classification (germline): Uncertain significance (1 of 4 stars; one submission).

Allele frequency attached by ClinVar (database versions not stated): gnomAD exomes below 0.00001.
gnomAD v4.1: 1 of 1,613,246 alleles (0.000062%); highest among the groups gnomAD compares: Non-Finnish European, 0.000085%; no homozygotes.

Submission:

GeneDx
Classification: Uncertain significance. Last evaluated: 2024-06-07. Review status: criteria provided, single submitter. Criteria: GeneDx Variant Classification Process June 2021. Collection method: clinical testing. Allele origin: germline. Affected: yes.
Comment: In silico analysis supports that this missense variant has a deleterious effect on protein structure/function; Has not been previously published as pathogenic or benign to our knowledge